The following is an entry in ClinVar:

ClinVar aggregate classification (germline): Pathogenic. Review status: criteria provided, multiple submitters, no conflicts (2 of 4 stars). 7 submissions from 7 submitters: Pathogenic (7). Last evaluated 2025-03-09.

Conditions:
Hereditary cancer-predisposing syndrome. Also called: Hereditary Cancer Syndrome; Tumor predisposition; Neoplastic Syndromes, Hereditary; Hereditary neoplastic syndrome. Identifiers: Orphanet 140162, MedGen C0027672, MeSH D009386, MONDO:0015356.
Multiple endocrine neoplasia, type 1 (MEN1). Also called: MEA I; MEN I; WERMER SYNDROME; Endocrine adenomatosis multiple; MEN 1. Identifiers: Orphanet 652, MedGen C0025267, MeSH D018761, MONDO:0007540, OMIM 131100.

Submissions (7):

Labcorp Genetics (formerly Invitae), Labcorp
Classification: Pathogenic for Multiple endocrine neoplasia, type 1. Last evaluated: 2025-03-09. Review status: criteria provided, single submitter. Criteria: Invitae Variant Classification Sherloc (09022015). Collection method: clinical testing. Allele origin: germline.
Comment: This sequence change affects a splice site in intron 9 of the MEN1 gene. It is expected to disrupt RNA splicing. Variants that disrupt the donor or acceptor splice site typically lead to a loss of protein function (PMID: 16199547), and loss-of-function variants in MEN1 are known to be pathogenic (PMID: 12112656, 17853334). This variant is not present in population databases (gnomAD no frequency). Disruption of this splice site has been observed in individuals with multiple endocrine neoplasia, type 1 (PMID: 9709921, 10090472). ClinVar contains an entry for this variant (Variation ID: 201001). Algorithms developed to predict the effect of sequence changes on RNA splicing suggest that this variant may disrupt the consensus splice site. For these reasons, this variant has been classified as Pathogenic.

Women's Health and Genetics/Laboratory Corporation of America, LabCorp
Classification: Pathogenic for Multiple endocrine neoplasia, type 1. Last evaluated: 2025-02-04. Review status: criteria provided, single submitter. Criteria: LabCorp Variant Classification Summary - May 2015. Collection method: clinical testing. Allele origin: germline.
Comment: Variant summary: MEN1 c.1350+1_1350+11del11 is located in a canonical splice-site and is predicted to affect mRNA splicing resulting in a significantly altered protein due to either exon skipping, shortening, or inclusion of intronic material. Variants that disrupt the consensus splice site are a relatively common cause of aberrant splicing and loss of MEN1 function. Several computational tools predict a significant impact on normal splicing: Four predict the variant abolishes a 5' splicing donor site. However, these predictions have yet to be confirmed by functional studies. The variant was absent in 1613138 control chromosomes. c.1350+1_1350+11del11 has been reported in the literature in multiple individuals affected with Multiple Endocrine Neoplasia Type 1 (Mutch_1999, Jager_2006, Kong_2016). These data indicate that the variant is very likely to be associated with disease. To our knowledge, no experimental evidence demonstrating an impact on protein function has been reported. The following publications have been ascertained in the context of this evaluation (PMID: 30324798, 16563611, 27846313, 10090472, 9709921). ClinVar contains an entry for this variant (Variation ID: 201001). Based on the evidence outlined above, the variant was classified as pathogenic.

Ambry Genetics
Classification: Pathogenic for Hereditary cancer-predisposing syndrome. Last evaluated: 2024-03-14. Review status: criteria provided, single submitter. Criteria: Ambry Variant Classification Scheme 2023. Collection method: clinical testing. Allele origin: germline.
Comment: The c.1350+1_1350+11del11 intronic pathogenic mutation, located in intron 8 of the MEN1 gene, results from a deletion of 11 nucleotides within intron 8 of the MEN1 gene. This alteration has been seen in multiple unrelated families with clinical diagnoses and features of MEN1 (Teh BT et al. J. Clin. Endocrinol. Metab.1998 Aug;83:2621-6; J&auml;ger AC et al. Mol. Cell. Endocrinol. 2006 Apr;249:123-32; Kong J. PLoS ONE. 2016 Nov;11(11):e0166634). This nucleotide region is well conserved in available vertebrate species. In silico splice site analysis predicts that this alteration will weaken the native splice donor site and will result in the creation or strengthening of a novel splice donor site. This variant is considered to be rare based on population cohorts in the Genome Aggregation Database (gnomAD). In addition to the clinical data presented in the literature, alterations that disrupt the canonical splice site are expected to cause aberrant splicing, resulting in an abnormal protein or a transcript that is subject to nonsense-mediated mRNA decay. As such, this alteration is classified as a disease-causing mutation.

Quest Diagnostics Nichols Institute San Juan Capistrano
Classification: Pathogenic. Last evaluated: 2023-11-21. Review status: criteria provided, single submitter. Criteria: Quest Diagnostics criteria. Collection method: clinical testing. Allele origin: unknown.
Comment: The MEN1 c.1350+1_1350+11del variant disrupts a canonical splice-donor site and interferes with normal MEN1 mRNA splicing. This variant has been reported in the published literature in individuals with multiple endocrine neoplasia type 1 (MEN1) syndrome (PMID: 30324798 (2018), 27846313 (2016), 16563611 (2006), 15714081 (2005), 10090472 (1999)). This variant has not been reported in large, multi-ethnic general populations (Genome Aggregation Database). Based on the available information, this variant is classified as pathogenic.

All of Us Research Program, National Institutes of Health
Classification: Pathogenic for Multiple endocrine neoplasia, type 1. Last evaluated: 2023-06-08. Review status: criteria provided, single submitter. Criteria: ACMG Guidelines, 2015. Collection method: clinical testing. Allele origin: germline. Inheritance: Autosomal dominant inheritance. Observed: 1 variant allele, 1 heterozygote.
Comment: This variant causes a 11-basepair deletion in intron 9 of the MEN1 gene, abolishing the intron 9 splice donor site. Splice site prediction tools predict that this variant may have a significant impact on RNA splicing. To our knowledge, functional studies have not been reported for this variant. This variant has been detected in multiple individuals affected with MEN1 and (primary hyperparathyroidism (PMID: 10090472, 16563611, 17065424, 27846313, 30324798). This variant has not been identified in the general population by the Genome Aggregation Database (gnomAD). Loss of MEN1 function is a known mechanism of disease. Based on the available evidence, this variant is classified as Pathogenic.

This study involves interpretation of variants in research participants for the purpose of population health screening. Participant phenotype was not available at the time of variant classification. Additional details can be found in publication PMID: 35346344, PMCID: PMC8962531

Color Diagnostics, LLC DBA Color Health
Classification: Pathogenic for Multiple endocrine neoplasia, type 1. Last evaluated: 2023-04-18. Review status: criteria provided, single submitter. Criteria: ACMG Guidelines, 2015. Collection method: clinical testing. Allele origin: germline.
Comment: This variant causes a 11-basepair deletion in intron 9 of the MEN1 gene, abolishing the intron 9 splice donor site. Splice site prediction tools predict that this variant may have a significant impact on RNA splicing. To our knowledge, functional studies have not been reported for this variant. This variant has been detected in multiple individuals affected with MEN1 and primary hyperparathyroidism (PMID: 10090472, 16563611, 17065424, 27846313, 30324798). This variant has not been identified in the general population by the Genome Aggregation Database (gnomAD). Loss of MEN1 function is a known mechanism of disease. Based on the available evidence, this variant is classified as Pathogenic.

GeneDx
Classification: Pathogenic. Last evaluated: 2014-05-21. Review status: criteria provided, single submitter. Criteria: GeneDx Variant Classification (06012015). Collection method: clinical testing. Allele origin: germline. Affected: yes.
Comment: The c.1350+1_1350+11delGTGAGGGACAG splice site mutation in the MEN1 gene has been previously reported in association with multiple endocrine neoplasia type 1 (Mutch et al., 1999). Using capital letters to denote exonic sequence and lower case letters to denote intronic sequence, the normal sequence with the bases that are deleted in braces is: ACAG{del gtgagggacag}ctgc. This mutation destroys the canonical splice donor site in intron 9, and is expected to cause abnormal gene splicing. The variant is found in MEN1 panel(s).

Literature cited by the submitters: PubMed 16199547 (cited by Labcorp Genetics (formerly Invitae), Labcorp); PubMed 12112656 (cited by Labcorp Genetics (formerly Invitae), Labcorp); PubMed 17853334 (cited by Labcorp Genetics (formerly Invitae), Labcorp); PubMed 9709921 (cited by 3 submitters); PubMed 10090472 (cited by 5 submitters); PubMed 16563611 (cited by 5 submitters); PubMed 30324798 (cited by 4 submitters); PubMed 27846313 (cited by 5 submitters); PubMed 17065424 (cited by 4 submitters); PubMed 15714081 (cited by Quest Diagnostics Nichols Institute San Juan Capistrano).

NM_001370259.2(MEN1):c.1350+1_1350+11del

Gene: MEN1 (menin 1; minus strand). Cytogenetic location: 11q13.1.
Variant type: Deletion.
Coding change: c.1350+1_1350+11del on transcript NM_001370259.2 (MANE Select); the canonical splice donor site of the intron after coding-DNA position 1350 through 11 bases into the intron after coding-DNA position 1350, 11 bases deleted (GTGAGGGACAG).
Molecular consequence: splice donor variant.
Genome position (GRCh38, 1-based): chr11:64,805,023-64,805,033, CTGTCCCTCAC deleted on the plus strand (GTGAGGGACAG on the coding strand, the reverse complement: MEN1 is on the minus strand); deleting any 11 consecutive bases within chr11:64,805,023-64,805,043 gives the same sequence; the c. name uses the placement nearest the transcript's 3' end. VCF-style (leftmost placement, unchanged base first): chr11-64805022-GCTGTCCCTCAC-G. GRCh37 (hg19) VCF-style: chr11-64572494-GCTGTCCCTCAC-G.
Other names: c.1350+1_1350+11delGTGAGGGACAG (NM_130799.2); c.1365+1_1365+11del (NM_130804.3, NM_130803.3, NM_000244.4 and 3 more transcripts); c.1350+1_1350+11del (NM_130799.3, NM_001370260.2, NM_001370261.2); c.1476+1_1476+11del (NM_001370251.2); c.1245+1_1245+11del (NM_001370263.2, NM_001370262.2); c.1350+1_1350+11del11 (NM_130799.3).
Identifiers: ClinVar variation 201001 (VCV000201001.16), dbSNP rs764570645, ClinGen allele CA017625.
Genomic context (GRCh38, chr11:64,805,022, plus strand): 5'-AGAAAAGTCTGACAAGCCCGTGGCTGCTGTCACCACCTGTAGTGCCCAGACCTCTGTGCA[GCTGTCCCTCAC>G]CTGTCCCTCAAAACGGCCTAGGGACTGCACAAGAAAGGTGGCCCAGCCCACATGCAGCAC-3'